The following is an entry in ClinVar:

NM_000091.5(COL4A3):c.1468G>C (p.Gly490Arg)

Genes: COL4A3 (collagen type IV alpha 3 chain; plus strand), MFF-DT (MFF divergent transcript; minus strand). Cytogenetic location: 2q36.3.
Variant type: single nucleotide variant.
Coding change: c.1468G>C on transcript NM_000091.5 (MANE Select); coding-DNA position 1468, G replaced by C.
Protein change: p.Gly490Arg; replaces glycine 490 with arginine.
Molecular consequence: missense variant.
Genome position (GRCh38, 1-based): chr2:227,267,052, G>C. VCF-style: chr2-227267052-G-C. GRCh37 (hg19) VCF-style: chr2-228131768-G-C.
Other names: short protein forms G490R.
Identifiers: ClinVar variation 988108 (VCV000988108.5), dbSNP rs1256505387, ClinGen allele CA350870354.

ClinVar aggregate classification (germline): Likely pathogenic. Review status: criteria provided, multiple submitters, no conflicts (2 of 4 stars). 4 submissions from 4 submitters: Likely pathogenic (3). 1 of the submissions does not count toward it. Last evaluated 2025-08-20.

Conditions:
Autosomal dominant Alport syndrome (ATS3A). Also called: Alport syndrome dominant type; Renal failure and sensorineural hearing loss; ALPORT SYNDROME 3A, AUTOSOMAL DOMINANT. Identifiers: Orphanet 63, Orphanet 88918, MedGen C5882663, MONDO:0007086, OMIM 104200.
Hematuria, benign familial, 2 (BFH2). Identifiers: MedGen C5830421, MONDO:0958186, OMIM 620320.
Alport syndrome 3b, autosomal recessive. Identifiers: MedGen C5882699, MONDO:0957811, OMIM 620536.
COL4A3-related disorder. Also called: COL4A3-related condition; COL4A3-Related Disorders.
Alport syndrome. Also called: Hemorrhagic familial nephritis; Hemorrhagic hereditary nephritis; Congenital hereditary hematuria. Identifiers: Orphanet 63, MedGen C1567741, MONDO:0018965.

Allele frequency attached by ClinVar (database versions not stated): gnomAD exomes below 0.00001 and 0.00001; gnomAD 0.00001; TOPMed 0.00001.
gnomAD v4.1: 14 of 1,613,872 alleles (0.00087%); highest among the groups gnomAD compares: Non-Finnish European, 0.0012%; no homozygotes.

Submissions (4):

Natera, Inc.
Classification: Likely pathogenic for Alport syndrome. Last evaluated: 2025-08-20. Review status: criteria provided, single submitter. Criteria: Natera Variant Classification Schema (03/2026). Collection method: clinical testing. Allele origin: germline.
Comment: The c.1468G>C variant in COL4A3 is a missense variant predicted to cause substitution of glycine to arginine at amino acid 490. This variant is rare in the general population with a frequency below the threshold expected for the associated phenotype(s). This variant is located in a functionally critical region of the protein. Computational prediction algorithms indicate this variant is likely to affect gene or protein function. Given the available evidence, this variant is classified as Likely Pathogenic.

Fulgent Genetics
Classification: Likely pathogenic for Autosomal dominant Alport syndrome; Hematuria, benign familial, 2; Alport syndrome 3b, autosomal recessive. Last evaluated: 2024-05-23. Review status: criteria provided, single submitter. Criteria: ACMG Guidelines, 2015. Collection method: clinical testing. Allele origin: germline.

PreventionGenetics, part of Exact Sciences
Classification: Likely pathogenic for COL4A3-related condition. Last evaluated: 2023-03-22. Review status: criteria provided, single submitter. Criteria: ACMG Guidelines, 2015. Collection method: clinical testing. Allele origin: germline.
Comment: The COL4A3 c.1468G>C variant is predicted to result in the amino acid substitution p.Gly490Arg. The p.Gly490 residue is located in the conserved triple helical domain, where substitutions of the glycine are usually pathogenic (UniProt residues 43-1438, Hudson et al. 1993. PubMed ID: 8253711). To our knowledge, this variant has not been reported in the literature, but has been reported in ClinVar as likely pathogenic by outside laboratories. This variant is reported in 0.00088% of alleles in individuals of European (Non-Finnish) descent in gnomAD. This variant is interpreted as likely pathogenic.

Sydney Genome Diagnostics, Children's Hospital Westmead
Classification: Likely pathogenic for Alport syndrome. Last evaluated: 2018-04-13. Review status: no assertion criteria provided. Collection method: clinical testing. Allele origin: unknown. Affected: yes. Observed: 1 variant allele, 1 heterozygote. Not counted in ClinVar's aggregate classification.
Comment: The variant has not been reported in any population databases (i.e. gnomAD, ExAC, ESP or dbSNP). To our knowledge, this variant has not been previously reported in the literature or any disease specific databases. This variant results in substitution of one of the invariant glycine residues within the triple helical domain of the alpha 3 chain of type 4 collagen. This variant is considered to be a likely pathogenic according to the ACMG guidelines.